The following is an entry in ClinVar:

NM_001364689.3(C4orf50):c.2667C>T (p.Ser889=)

Gene: C4orf50 (chromosome 4 open reading frame 50; minus strand). Cytogenetic location: 4p16.2.
Variant type: single nucleotide variant.
Coding change: c.2667C>T on transcript NM_001364689.3 (MANE Select); coding-DNA position 2667, C replaced by T.
Protein change: p.Ser889=; no amino-acid change (serine 889 retained).
Molecular consequence: synonymous variant.
Genome position (GRCh38, 1-based): chr4:5,989,379, G>A on the plus strand (C>T on the coding strand, the complement: C4orf50 is on the minus strand). VCF-style: chr4-5989379-G-A. GRCh37 (hg19) VCF-style: chr4-5991106-G-A.
Other names: c.2130C>T, p.Ser710= (NM_001364690.2).
Identifiers: ClinVar variation 2654616 (VCV002654616.24), dbSNP rs187983919, ClinGen allele CA2837926.

ClinVar aggregate classification (germline): Likely benign (1 of 4 stars; one submission).

Allele frequency attached by ClinVar (database versions not stated): 1000 Genomes Project 0.00040; gnomAD 0.00005; TOPMed 0.00009; ExAC 0.00016; 1000 Genomes Project 30x 0.00031.
gnomAD v4.1: 106 of 1,536,040 alleles (0.0069%); highest among the groups gnomAD compares: Middle Eastern, 0.05%; 1 homozygote.

Submission:

CeGaT Center for Human Genetics Tuebingen
Classification: Likely benign. Last evaluated: 2022-04-01. Review status: criteria provided, single submitter. Criteria: CeGaT Center For Human Genetics Tuebingen Variant Classification Criteria Version 2. Collection method: clinical testing. Allele origin: germline. Affected: yes. Observed: 1 variant allele.
Comment: C4orf50: BP4, BP7